The following is an entry in ClinVar:

ClinVar aggregate classification (germline): Uncertain significance (1 of 4 stars; one submission).

Conditions:
Diamond-Blackfan anemia. Also called: Blackfan Diamond syndrome; Aregenerative anemia chronic congenital; Red cell aplasia, pure hereditary; Congenital hypoplastic anemia; Aase syndrome. Identifiers: Orphanet 124, MedGen C1260899, MeSH D029503, MONDO:0015253, HP:0004810.
GATA binding protein 1 related thrombocytopenia with dyserythropoiesis. Also called: GATA1-Related Cytopenia; GATA1-Related X-Linked Cytopenia. Identifiers: MedGen C1845837, MONDO:0100089.

Submission:

Labcorp Genetics (formerly Invitae), Labcorp
Classification: Uncertain significance for GATA binding protein 1 related thrombocytopenia with dyserythropoiesis; Diamond-Blackfan anemia. Last evaluated: 2024-01-08. Review status: criteria provided, single submitter. Criteria: Invitae Variant Classification Sherloc (09022015). Collection method: clinical testing. Allele origin: germline.
Comment: This sequence change falls in intron 2 of the GATA1 gene. It does not directly change the encoded amino acid sequence of the GATA1 protein. It affects a nucleotide within the consensus splice site. This variant is not present in population databases (gnomAD no frequency). This variant has not been reported in the literature in individuals affected with GATA1-related conditions. Variants that disrupt the consensus splice site are a relatively common cause of aberrant splicing (PMID: 17576681, 9536098). Algorithms developed to predict the effect of sequence changes on RNA splicing suggest that this variant is not likely to affect RNA splicing. In summary, the available evidence is currently insufficient to determine the role of this variant in disease. Therefore, it has been classified as a Variant of Uncertain Significance.

Literature cited by the submitters: PubMed 17576681; PubMed 9536098.

NM_002049.4(GATA1):c.221-3C>T

Gene: GATA1 (GATA binding protein 1; plus strand). Cytogenetic location: Xp11.23.
Variant type: single nucleotide variant.
Coding change: c.221-3C>T on transcript NM_002049.4 (MANE Select); 3 bases into the intron before coding-DNA position 221, C replaced by T.
Molecular consequence: intron variant.
Genome position (GRCh38, 1-based): chrX:48,791,841, C>T. VCF-style: chrX-48791841-C-T. GRCh37 (hg19) VCF-style: chrX-48650248-C-T.
Identifiers: ClinVar variation 2951221 (VCV002951221.3), dbSNP rs2519344348, ClinGen allele CA516029882.